The following is an entry in ClinVar:

ClinVar aggregate classification (germline): Uncertain significance (1 of 4 stars; one submission).

Submission:

GeneDx
Classification: Uncertain significance. Last evaluated: 2026-03-19. Review status: criteria provided, single submitter. Criteria: GeneDx Variant Classification Process June 2021. Collection method: clinical testing. Allele origin: germline.
Comment: Not observed at significant frequency in large population cohorts (gnomAD); In silico analysis suggests that this missense variant does not alter protein structure/function; Has not been previously published as pathogenic or benign to our knowledge

NM_024757.5(EHMT1):c.752C>A (p.Pro251His)

Gene: EHMT1 (euchromatic histone lysine methyltransferase 1; plus strand). Cytogenetic location: 9q34.3.
Variant type: single nucleotide variant.
Coding change: c.752C>A on transcript NM_024757.5 (MANE Select); coding-DNA position 752, C replaced by A.
Protein change: p.Pro251His; replaces proline 251 with histidine.
Molecular consequence: missense variant.
Genome position (GRCh38, 1-based): chr9:137,728,458, C>A. VCF-style: chr9-137728458-C-A. GRCh37 (hg19) VCF-style: chr9-140622910-C-A.
Other names: c.752C>A, p.Pro251His (NM_001145527.2, NM_001354263.2, NM_001354611.2); c.659C>A, p.Pro220His (NM_001354259.2, NM_001354612.2); short protein forms P251H, P220H.
Identifiers: ClinVar variation 5009295 (VCV005009295.1).